The following is an entry in ClinVar:

ClinVar aggregate classification (germline): Pathogenic. Review status: reviewed by expert panel (3 of 4 stars). 12 submissions from 11 submitters: Pathogenic (1). 11 of the submissions do not count toward it. Last evaluated 2017-03-17.

Conditions:
CFTR-related disorder (CFTR-RD). Also called: CFTR-related condition; CFTR-related disorders. Identifiers: MedGen C5924204, MONDO:7770004.
Congenital bilateral aplasia of vas deferens from CFTR mutation (CBAVD). Identifiers: Orphanet 48, MedGen C0403814, MONDO:0010178, OMIM 277180. Disease mechanism: loss of function.
Cystic fibrosis (CF). Also called: MUCOVISCIDOSIS. Identifiers: Orphanet 586, MedGen C0010674, MONDO:0009061, OMIM 219700. Disease mechanism: loss of function.
Bronchiectasis with or without elevated sweat chloride 1 (BESC1). Also called: Cystic Fibrosis-Like Syndrome. Identifiers: Orphanet 60033, MedGen C2749757, MONDO:0008887, OMIM 211400.

Allele frequency attached by ClinVar (database versions not stated): gnomAD exomes below 0.00001.
gnomAD v4.1: 2 of 1,612,468 alleles (0.00012%); highest among the groups gnomAD compares: East Asian, 0.0022%; no homozygotes.

Submissions (12):

CFTR2
Classification: Pathogenic for Cystic fibrosis. Last evaluated: 2017-03-17. Review status: reviewed by expert panel. Criteria: Sosnay PR et al. (Nat Genet 2013). Collection method: research. Allele origin: germline. Affected: yes. Study: CFTR2.

Institute of Human Genetics, University of Leipzig Medical Center
Classification: Pathogenic for Cystic fibrosis. Last evaluated: 2026-03-27. Review status: criteria provided, single submitter. Criteria: ACMG Guidelines, 2015. Collection method: clinical testing. Allele origin: unknown. Inheritance: Autosomal recessive inheritance. Affected: yes. Not counted in ClinVar's aggregate classification.
Comment: Criteria applied: PVS1,PM3_VSTR,PS1_SUP,PM2_SUP,PP4

Natera, Inc.
Classification: Pathogenic for CFTR-related disorders. Last evaluated: 2025-11-20. Review status: criteria provided, single submitter. Criteria: Natera Variant Classification Schema (03/2026). Collection method: clinical testing. Allele origin: germline. Not counted in ClinVar's aggregate classification.
Comment: The c.2989-2A>G variant in CFTR is a canonical splice acceptor site variant predicted to affect pre-mRNA splicing, which may result in an abnormal transcript and altered protein product. This variant is expected to result in nonsense mediated decay, truncation, or a dysfunctional protein product. This variant is rare in the general population with a frequency below the threshold expected for the associated phenotype(s). This variant has been observed in one or more individuals affected with the associated recessive disease, as either homozygous or compound heterozygous with a second variant (PMID: 9067754, 15480987, 29055982). Given the available evidence, this variant is classified as Pathogenic.

Quest Diagnostics Nichols Institute San Juan Capistrano
Classification: Pathogenic. Last evaluated: 2025-10-01. Review status: criteria provided, single submitter. Criteria: Quest Diagnostics criteria. Collection method: clinical testing. Allele origin: unknown. Not counted in ClinVar's aggregate classification.
Comment: The CFTR c.2989-2A>G variant disrupts a canonical splice-acceptor site and interferes with normal CFTR mRNA splicing. This variant has been reported in the published literature in individuals affected with cystic fibrosis (PMIDs: 7689013 (1993), 9067754 (1997), 15480987 (2004), 30081288 (2018), 32429104 (2020), 33669566 (2021), 34782259 (2021), 38658613 (2024)). One functional study described the variant as severe and showed that the variant caused a chloride secretion defect in rectal epithelia (PMID: 15480987 (2004)). This variant has not been reported in large, multi-ethnic general populations (Genome Aggregation Database). Based on the available information, this variant is classified as pathogenic.

Baylor Genetics
Classification: Pathogenic for Bronchiectasis with or without elevated sweat chloride 1. Last evaluated: 2023-05-08. Review status: criteria provided, single submitter. Criteria: ACMG Guidelines, 2015. Collection method: clinical testing. Allele origin: unknown. Not counted in ClinVar's aggregate classification.

Labcorp Genetics (formerly Invitae), Labcorp
Classification: Pathogenic for Cystic fibrosis. Last evaluated: 2022-06-13. Review status: criteria provided, single submitter. Criteria: Invitae Variant Classification Sherloc (09022015). Collection method: clinical testing. Allele origin: germline. Not counted in ClinVar's aggregate classification.
Comment: For these reasons, this variant has been classified as Pathogenic. Studies have shown that disruption of this splice site alters mRNA splicing and is expected to lead to the loss of protein expression (PMID: 23974870). ClinVar contains an entry for this variant (Variation ID: 53614). Disruption of this splice site has been observed in individuals with cystic fibrosis (PMID: 7541510, 7689013, 9452048). This variant is not present in population databases (gnomAD no frequency). This sequence change affects an acceptor splice site in intron 18 of the CFTR gene. It is expected to disrupt RNA splicing. Variants that disrupt the donor or acceptor splice site typically lead to a loss of protein function (PMID: 16199547), and loss-of-function variants in CFTR are known to be pathogenic (PMID: 1695717, 7691345, 9725922).

ARUP Laboratories, Molecular Genetics and Genomics, ARUP Laboratories
Classification: Pathogenic. Last evaluated: 2022-03-04. Review status: criteria provided, single submitter. Criteria: ARUP Molecular Germline Variant Investigation Process 2021. Collection method: clinical testing. Allele origin: germline. Not counted in ClinVar's aggregate classification.
Comment: The CFTR c.2989-2A>G variant (rs193922515), also known as 3121-2G>A, is reported in the literature in multiple individuals affected with cystic fibrosis often found homozygous or in trans with a second pathogenic CFTR variant (Hirtz 2004, Macek 1997, Petrova 2020, Reiss 1993, Sapiejka 2018). This variant is reported as pathogenic by an expert panel in ClinVar (Variation ID: 53614) and is absent from the Genome Aggregation Database, indicating it is not a common polymorphism. This variant disrupts the canonical splice donor site of intron 16, which is likely to negatively impact gene function. Based on available information, this variant is considered to be pathogenic. References: Hirtz S et al. CFTR Cl- channel function in native human colon correlates with the genotype and phenotype in cystic fibrosis. Gastroenterology. 2004 Oct;127(4):1085-95. PMID: 15480987. Macek M Jr et al. Sensitivity of the denaturing gradient gel electrophoresis technique in detection of known mutations and novel Asian mutations in the CFTR gene. Hum Mutat. 1997;9(2):136-47. PMID: 9067754. Petrova NV et al. Analysis of CFTR Mutation Spectrum in Ethnic Russian Cystic Fibrosis Patients. Genes (Basel). 2020 May 15;11(5):554. PMID: 32429104. Reiss J et al. A comprehensive CFTR mutation analysis of German cystic fibrosis patients. Hum Mol Genet. 1993 Jun;2(6):809-11. PMID: 7689013. Sapiejka E et al. Vitamin E status and its determinants in patients with cystic fibrosis. Adv Med Sci. 2018 Sep;63(2):341-346. PMID: 30081288.

Women's Health and Genetics/Laboratory Corporation of America, LabCorp
Classification: Pathogenic for Cystic fibrosis. Last evaluated: 2020-01-16. Review status: criteria provided, single submitter. Criteria: LabCorp Variant Classification Summary - May 2015. Collection method: clinical testing. Allele origin: germline. Not counted in ClinVar's aggregate classification.
Comment: Variant summary: CFTR c.2989-2A>G is located in a canonical splice-site and is predicted to affect mRNA splicing resulting in a significantly altered protein due to either exon skipping, shortening, or inclusion of intronic material. Several computational tools predict a significant impact on normal splicing: Four predict the variant abolishes a 3' acceptor site. However, these predictions have yet to be confirmed by functional studies. The variant was absent in 251074 control chromosomes. c.2989-2A>G has been reported in the literature in individuals affected with Cystic Fibrosis (eg. Reiss_1993, Hirtz_2004, Sapiejka_2018, Macek_1997). These data indicate that the variant is likely to be associated with disease. Functional studies have shown that native colonic epithelia containing the variant of interest had absent CFTR-mediated Cl- secretion (Hirtz_2004). One clinical diagnostic laboratory has submitted clinical-significance assessments for this variant to ClinVar after 2014 without evidence for independent evaluation. One laboratory classified the variant as pathogenic. Based on the evidence outlined above, the variant was classified as pathogenic.

Johns Hopkins Genomics, Johns Hopkins University
Classification: Pathogenic for Cystic fibrosis. Last evaluated: 2019-10-15. Review status: criteria provided, single submitter. Criteria: ACMG Guidelines, 2015. Collection method: clinical testing. Allele origin: germline. Not counted in ClinVar's aggregate classification.
Comment: Disease-causing CFTR variant. See CFTR2 for phenotype information.

Ambry Genetics
Classification: Pathogenic for Cystic fibrosis. Last evaluated: 2018-08-31. Review status: criteria provided, single submitter. Criteria: Ambry Variant Classification Scheme 2023. Collection method: clinical testing. Allele origin: germline. Not counted in ClinVar's aggregate classification.
Comment: The c.2989-2A>G intronic pathogenic mutation (also known as 3121-2A>G) results from an A to G substitution two nucleotides upstream from coding exon 19 in the CFTR gene. This mutation was identified in a German cohort with cystic fibrosis (CF); however, complete genotype and phenotype information was not provided (Reiss J et al. Hum. Mol. Genet., 1993 Jun;2:809-11). In addition to the clinical data presented in the literature, alterations that disrupt the canonical splice site are expected to cause aberrant splicing, resulting in an abnormal protein or a transcript that is subject to nonsense-mediated mRNA decay. As such, this alteration is classified as a disease-causing mutation.

CFTR-France
Classification: Pathogenic for cystic fibrosis. Last evaluated: 2018-01-29. Review status: criteria provided, single submitter. Criteria: Claustres M et al. (Hum Mutat 2017). Collection method: curation. Allele origin: germline. Affected: yes. Not counted in ClinVar's aggregate classification.

Baylor Genetics
Classification: Pathogenic for Congenital bilateral aplasia of vas deferens from CFTR mutation; Cystic fibrosis. Review status: criteria provided, single submitter. Criteria: ACMG Guidelines, 2015. Collection method: clinical testing. Allele origin: germline. Not counted in ClinVar's aggregate classification.

Literature cited by the submitters: PubMed 9067754 (cited by 4 submitters); PubMed 15480987 (cited by 3 submitters); PubMed 29055982 (cited by Natera, Inc.); PubMed 37867076 (cited by Quest Diagnostics Nichols Institute San Juan Capistrano); PubMed 34782259 (cited by Quest Diagnostics Nichols Institute San Juan Capistrano); PubMed 18456578 (cited by Quest Diagnostics Nichols Institute San Juan Capistrano); PubMed 38515211 (cited by Quest Diagnostics Nichols Institute San Juan Capistrano); PubMed 38658613 (cited by Quest Diagnostics Nichols Institute San Juan Capistrano); PubMed 33669566 (cited by Quest Diagnostics Nichols Institute San Juan Capistrano); PubMed 12833420 (cited by Quest Diagnostics Nichols Institute San Juan Capistrano); PubMed 30081288 (cited by Quest Diagnostics Nichols Institute San Juan Capistrano and Women's Health and Genetics/Laboratory Corporation of America, LabCorp); PubMed 7689013 (cited by 4 submitters); PubMed 32429104 (cited by Quest Diagnostics Nichols Institute San Juan Capistrano); PubMed 23974870 (cited by Labcorp Genetics (formerly Invitae), Labcorp); PubMed 7541510 (cited by Labcorp Genetics (formerly Invitae), Labcorp); PubMed 9452048 (cited by Labcorp Genetics (formerly Invitae), Labcorp); PubMed 16199547 (cited by Labcorp Genetics (formerly Invitae), Labcorp); PubMed 1695717 (cited by Labcorp Genetics (formerly Invitae), Labcorp); PubMed 7691345 (cited by Labcorp Genetics (formerly Invitae), Labcorp); PubMed 9725922 (cited by Labcorp Genetics (formerly Invitae), Labcorp); PubMed 10671057 (cited by Women's Health and Genetics/Laboratory Corporation of America, LabCorp).

NM_000492.4(CFTR):c.2989-2A>G

Genes: CFTR (CF transmembrane conductance regulator; plus strand), CFTR-AS2 (CFTR antisense RNA 2; minus strand), LOC111674472 (DNase I hypersensitive sites in introns 16 and 17a of CFTR; plus strand). Cytogenetic location: 7q31.2.
Variant type: single nucleotide variant.
Coding change: c.2989-2A>G on transcript NM_000492.4 (MANE Select); the canonical splice acceptor site of the intron before coding-DNA position 2989, A replaced by G.
Molecular consequence: splice acceptor variant.
Genome position (GRCh38, 1-based): chr7:117,610,517, A>G. VCF-style: chr7-117610517-A-G. GRCh37 (hg19) VCF-style: chr7-117250571-A-G.
Other names: 3121-2A->G.
Identifiers: ClinVar variation 53614 (VCV000053614.22), dbSNP rs193922515, ClinGen allele CA326997.